The following is an entry in ClinVar:

NM_000138.5(FBN1):c.1464dup (p.Ile489fs)

Gene: FBN1 (fibrillin 1; minus strand). Cytogenetic location: 15q21.1.
Variant type: Duplication.
Coding change: c.1464dup on transcript NM_000138.5 (MANE Select); coding-DNA position 1464, one base duplicated (T; older notation c.1464dupT).
Protein change: p.Ile489fs; shifts the reading frame from isoleucine 489.
Molecular consequence: frameshift variant.
Genome position (GRCh38, 1-based): chr15:48,515,391, A duplicated on the plus strand (T on the coding strand, the reverse complement: FBN1 is on the minus strand). VCF-style (leftmost placement, unchanged base first): chr15-48515390-T-TA. GRCh37 (hg19) VCF-style: chr15-48807587-T-TA.
Other names: c.1464dup, p.Ile489fs (NM_001406716.1); short protein forms I489fs.
Identifiers: ClinVar variation 2498339 (VCV002498339.1), dbSNP rs1566916671, ClinGen allele CA919548726.

ClinVar aggregate classification (germline): Pathogenic (0 of 4 stars; one submission).

Conditions:
Marfan syndrome (MFS). Also called: MARFAN SYNDROME, TYPE I; FBN1-Related Marfan Syndrome; Marfan syndrome type 1; Marfan's syndrome; Marfan syndrome, classic. Identifiers: Orphanet 284963, Orphanet 558, MedGen C0024796, MONDO:0007947, OMIM 154700.

Submission:

deCODE genetics, Amgen
Classification: Pathogenic for Marfan syndrome. Last evaluated: 2023-04-10. Review status: no assertion criteria provided. Collection method: case-control. Allele origin: germline. Affected: yes. Observed: 1 variant allele.
Comment: Applied ACMG criteria: PVS1, PS2, PP4

Literature cited by the submitters: PubMed 37684520.